The following is an entry in ClinVar:

NM_000059.4(BRCA2):c.6271_6272del (p.Leu2092fs)

Gene: BRCA2 (BRCA2 DNA repair associated; plus strand). Cytogenetic location: 13q13.1.
Variant type: Deletion.
Coding change: c.6271_6272del on transcript NM_000059.4 (MANE Select); coding-DNA positions 6271 to 6272, 2 bases deleted (AG; older notation c.6271_6272delAG).
Protein change: p.Leu2092fs; shifts the reading frame from leucine 2092.
Molecular consequence: frameshift variant. On other transcripts: non-coding transcript variant (1), intron variant (2).
Genome position (GRCh38, 1-based): chr13:32,340,626-32,340,627, AG deleted. VCF-style (leftmost placement, unchanged base first): chr13-32340625-TAG-T. GRCh37 (hg19) VCF-style: chr13-32914762-TAG-T.
Other names: c.6271_6272del, p.Leu2092fs (NM_001406719.1, NM_001406720.1, NM_001432077.1); c.1910-3932_1910-3931del (NM_001406721.1); c.425-3932_425-3931del (NM_001406722.1); short protein forms L2092fs.
Identifiers: ClinVar variation 4812986 (VCV004812986.1).

ClinVar aggregate classification (germline): Pathogenic (1 of 4 stars; one submission).

Conditions:
Breast-ovarian cancer, familial, susceptibility to, 2 (BROVCA2). Also called: BRCA2 Hereditary Breast and Ovarian Cancer. Identifiers: Orphanet 145, MedGen C2675520, MONDO:0012933, OMIM 612555. Disease mechanism: loss of function.

Submission:

Myriad Genetics, Inc.
Classification: Pathogenic for Breast-ovarian cancer, familial, susceptibility to, 2. Last evaluated: 2025-11-11. Review status: criteria provided, single submitter. Criteria: Myriad Autosomal Dominant, Autosomal Recessive and X-Linked Classification Criteria (2023). Collection method: clinical testing. Allele origin: unknown.
Comment: This variant is considered pathogenic. This variant creates a frameshift predicted to result in premature protein truncation.